The following is an entry in ClinVar:

NM_013447.4(ADGRE2):c.49A>G (p.Thr17Ala)

Gene: ADGRE2 (adhesion G protein-coupled receptor E2; minus strand). Cytogenetic location: 19p13.12.
Variant type: single nucleotide variant.
Coding change: c.49A>G on transcript NM_013447.4 (MANE Select); coding-DNA position 49, A replaced by G.
Protein change: p.Thr17Ala; replaces threonine 17 with alanine.
Molecular consequence: missense variant.
Genome position (GRCh38, 1-based): chr19:14,774,289, T>C on the plus strand (A>G on the coding strand, the complement: ADGRE2 is on the minus strand). VCF-style: chr19-14774289-T-C. GRCh37 (hg19) VCF-style: chr19-14885101-T-C.
Other names: c.49A>G, p.Thr17Ala (NM_001271052.1, NM_152916.2, NM_152917.2); short protein forms T17A.
Identifiers: ClinVar variation 3497285 (VCV003497285.2).

ClinVar aggregate classification (germline): Uncertain significance. Review status: criteria provided, multiple submitters, no conflicts (2 of 4 stars). 2 submissions from 2 submitters: Uncertain significance (2). Last evaluated 2026-01-29.

gnomAD v4.1: 13 of 1,582,382 alleles (0.00082%); highest among the groups gnomAD compares: African/African-American, 0.012%; no homozygotes.

Submissions (2):

Labcorp Genetics (formerly Invitae), Labcorp
Classification: Uncertain significance. Last evaluated: 2026-01-29. Review status: criteria provided, single submitter. Criteria: Invitae Variant Classification Sherloc (09022015). Collection method: clinical testing. Allele origin: germline.
Comment: This sequence change replaces threonine, which is neutral and polar, with alanine, which is neutral and non-polar, at codon 17 of the ADGRE2 protein (p.Thr17Ala). This variant is present in population databases (rs766359806, gnomAD 0.02%). This variant has not been reported in the literature in individuals affected with ADGRE2-related conditions. ClinVar contains an entry for this variant (Variation ID: 3497285). An algorithm developed to predict the effect of missense changes on protein structure and function (PolyPhen-2) suggests that this variant is likely to be tolerated. In summary, the available evidence is currently insufficient to determine the role of this variant in disease. Therefore, it has been classified as a Variant of Uncertain Significance.

Ambry Genetics
Classification: Uncertain significance. Last evaluated: 2024-11-14. Review status: criteria provided, single submitter. Criteria: Ambry Variant Classification Scheme 2023. Collection method: clinical testing. Allele origin: germline.